The following is an entry in ClinVar:

ClinVar aggregate classification (germline): Uncertain significance. Review status: criteria provided, multiple submitters, no conflicts (2 of 4 stars). 3 submissions from 3 submitters: Uncertain significance (3). Last evaluated 2024-05-18.

Conditions:
Autosomal dominant nonsyndromic hearing loss 6 (LFSNHL). Also called: DEAFNESS, AUTOSOMAL DOMINANT 6; DEAFNESS, AUTOSOMAL DOMINANT 14; DEAFNESS, AUTOSOMAL DOMINANT 38; Autosomal dominant nonsyndromic deafness 6. Identifiers: Orphanet 90635, MedGen C1833021, MONDO:0010963, OMIM 600965.
Type 2 diabetes mellitus. Also called: Type II diabetes mellitus. Identifiers: MedGen C0011860, MeSH D003924, MONDO:0005148, OMIM 125853, HP:0005978.
Wolfram-like syndrome. Also called: HEARING LOSS, PROGRESSIVE, WITH OPTIC ATROPHY AND/OR IMPAIRED GLUCOSE REGULATION. Identifiers: Orphanet 411590, MedGen C3280358, MONDO:0013673, OMIM 614296.
Wolfram syndrome 1 (WFS1). Identifiers: Orphanet 3463, MedGen C4551693, MONDO:0009101, OMIM 222300.
Cataract 41 (CTRCT41). Also called: CATARACT 41, CONGENITAL NUCLEAR TYPE. Identifiers: Orphanet 91492, Orphanet 98991, Orphanet 98992, Orphanet 98995, MedGen C3805412, MONDO:0007287, OMIM 116400.

Allele frequency attached by ClinVar (database versions not stated): ExAC 0.00001; gnomAD 0.00001; gnomAD exomes 0.00002 and 0.00003; TOPMed 0.00003.

Submissions (3):

Fulgent Genetics
Classification: Uncertain significance for Cataract 41; Type 2 diabetes mellitus; Wolfram syndrome 1; Autosomal dominant nonsyndromic hearing loss 6; Wolfram-like syndrome. Last evaluated: 2024-05-18. Review status: criteria provided, single submitter. Criteria: ACMG Guidelines, 2015. Collection method: clinical testing. Allele origin: germline.

GeneDx
Classification: Uncertain significance. Last evaluated: 2024-04-12. Review status: criteria provided, single submitter. Criteria: GeneDx Variant Classification Process June 2021. Collection method: clinical testing. Allele origin: germline. Affected: yes.
Comment: In silico analysis indicates that this missense variant does not alter protein structure/function; Has not been previously published as pathogenic or benign to our knowledge

Labcorp Genetics (formerly Invitae), Labcorp
Classification: Uncertain significance. Last evaluated: 2023-12-01. Review status: criteria provided, single submitter. Criteria: Invitae Variant Classification Sherloc (09022015). Collection method: clinical testing. Allele origin: germline.
Comment: This sequence change replaces glutamic acid, which is acidic and polar, with glycine, which is neutral and non-polar, at codon 794 of the WFS1 protein (p.Glu794Gly). This variant is present in population databases (rs752023481, gnomAD 0.01%). This variant has not been reported in the literature in individuals affected with WFS1-related conditions. ClinVar contains an entry for this variant (Variation ID: 1192740). Advanced modeling of protein sequence and biophysical properties (such as structural, functional, and spatial information, amino acid conservation, physicochemical variation, residue mobility, and thermodynamic stability) has been performed at Invitae for this missense variant, however the output from this modeling did not meet the statistical confidence thresholds required to predict the impact of this variant on WFS1 protein function. In summary, the available evidence is currently insufficient to determine the role of this variant in disease. Therefore, it has been classified as a Variant of Uncertain Significance.

NM_006005.3(WFS1):c.2381A>G (p.Glu794Gly)

Gene: WFS1 (wolframin ER transmembrane glycoprotein; plus strand). Cytogenetic location: 4p16.1.
Variant type: single nucleotide variant.
Coding change: c.2381A>G on transcript NM_006005.3 (MANE Select); coding-DNA position 2381, A replaced by G.
Protein change: p.Glu794Gly; replaces glutamic acid 794 with glycine.
Molecular consequence: missense variant.
Genome position (GRCh38, 1-based): chr4:6,302,176, A>G. VCF-style: chr4-6302176-A-G. GRCh37 (hg19) VCF-style: chr4-6303903-A-G.
Other names: c.2381A>G, p.Glu794Gly (NM_001145853.1); short protein forms E794G.
Identifiers: ClinVar variation 1192740 (VCV001192740.11), dbSNP rs752023481, ClinGen allele CA2839713.